The following is an entry in ClinVar:

ClinVar aggregate classification (germline): Likely benign. Review status: criteria provided, single submitter (1 of 4 stars). 2 submissions from 2 submitters: Likely benign (1). 1 of the submissions does not count toward it. Last evaluated 2023-09-14.

Conditions:
Inborn genetic diseases. Identifiers: MedGen C0950123, MeSH D030342.

gnomAD v4.1: 48 of 1,613,834 alleles (0.003%); highest among the groups gnomAD compares: Admixed American, 0.018%; no homozygotes.

Submissions (2):

Ambry Genetics
Classification: Likely benign for Inborn genetic diseases. Last evaluated: 2023-09-14. Review status: criteria provided, single submitter. Criteria: Ambry Variant Classification Scheme 2023. Collection method: clinical testing. Allele origin: germline.

Department of Pathology and Laboratory Medicine, Sinai Health System
Classification: Uncertain significance. Review status: no assertion criteria provided. Collection method: clinical testing. Allele origin: unknown. Affected: yes. Study: The Canadian Open Genetics Repository (COGR). Not counted in ClinVar's aggregate classification.
Comment: The INSL3 p.Asp82Asn variant was not identified in the literature nor was it identified in ClinVar, Cosmic or LOVD 3.0. The variant was identified in dbSNP (ID: rs141871618) and in control databases in 9 of 245082 chromosomes at a frequency of 0.000037 (Genome Aggregation Database Feb 27, 2017). The variant was observed in the following populations: Latino in 5 of 33564 chromosomes (freq: 0.000149) and European (Non-Finnish) in 4 of 110906 chromosomes (freq: 0.000036), while the variant was not observed in the African, Ashkenazi Jewish, East Asian, European (Finnish), Other, and South Asian populations. The p.Asp82 residue is not conserved in mammals and computational analyses (PolyPhen-2, SIFT, AlignGVGD, BLOSUM, MutationTaster) do not suggest a high likelihood of impact to the protein; however, this information is not predictive enough to rule out pathogenicity. The variant occurs outside of the splicing consensus sequence and in silico or computational prediction software programs (SpliceSiteFinder, MaxEntScan, NNSPLICE, GeneSplicer) do not predict a difference in splicing. In summary, based on the above information the clinical significance of this variant cannot be determined with certainty at this time. This variant is classified as a variant of uncertain significance.

NM_005543.4(INSL3):c.244G>A (p.Asp82Asn)

Gene: INSL3 (insulin like 3; minus strand). Cytogenetic location: 19p13.11.
Variant type: single nucleotide variant.
Coding change: c.244G>A on transcript NM_005543.4 (MANE Select); coding-DNA position 244, G replaced by A.
Protein change: p.Asp82Asn; replaces aspartic acid 82 with asparagine.
Molecular consequence: missense variant. On other transcripts: synonymous variant (1).
Genome position (GRCh38, 1-based): chr19:17,817,006, C>T on the plus strand (G>A on the coding strand, the complement: INSL3 is on the minus strand). VCF-style: chr19-17817006-C-T. GRCh37 (hg19) VCF-style: chr19-17927815-C-T.
Other names: c.339G>A, p.Pro113= (NM_001265587.2); c.244G>A (NM_005543.2); short protein forms D82N.
Identifiers: ClinVar variation 1050705 (VCV001050705.3), dbSNP rs141871618, ClinGen allele CA9301242.